The following is an entry in ClinVar:

ClinVar aggregate classification (germline): Uncertain significance (1 of 4 stars; one submission).

Conditions:
Ataxia-telangiectasia syndrome (AT). Also called: Ataxia-telangiectasia, complementation group D; ATAXIA-TELANGIECTASIA, COMPLEMENTATION GROUP A; ATAXIA-TELANGIECTASIA, FRESNO VARIANT; Ataxia-telangiectasia, complementation group E; Cerebello-oculocutaneous telangiectasia; Immunodeficiency with ataxia telangiectasia. Identifiers: Orphanet 100, MedGen C0004135, MONDO:0008840, OMIM 208900.

Submission:

Labcorp Genetics (formerly Invitae), Labcorp
Classification: Uncertain significance for Ataxia-telangiectasia syndrome. Last evaluated: 2021-04-23. Review status: criteria provided, single submitter. Criteria: Invitae Variant Classification Sherloc (09022015). Collection method: clinical testing. Allele origin: germline.
Comment: This sequence change replaces valine with alanine at codon 1600 of the ATM protein (p.Val1600Ala). The valine residue is moderately conserved and there is a small physicochemical difference between valine and alanine. This variant is not present in population databases (ExAC no frequency). This variant has not been reported in the literature in individuals with ATM-related conditions. Advanced modeling of protein sequence and biophysical properties (such as structural, functional, and spatial information, amino acid conservation, physicochemical variation, residue mobility, and thermodynamic stability) performed at Invitae indicates that this missense variant is not expected to disrupt ATM protein function. In summary, the available evidence is currently insufficient to determine the role of this variant in disease. Therefore, it has been classified as a Variant of Uncertain Significance.

NM_000051.4(ATM):c.4799T>C (p.Val1600Ala)

Gene: ATM (ATM serine/threonine kinase; plus strand). Cytogenetic location: 11q22.3.
Variant type: single nucleotide variant.
Coding change: c.4799T>C on transcript NM_000051.4 (MANE Select); coding-DNA position 4799, T replaced by C.
Protein change: p.Val1600Ala; replaces valine 1600 with alanine.
Molecular consequence: missense variant.
Genome position (GRCh38, 1-based): chr11:108,294,949, T>C. VCF-style: chr11-108294949-T-C. GRCh37 (hg19) VCF-style: chr11-108165676-T-C.
Other names: c.4799T>C, p.Val1600Ala (NM_001351834.2); short protein forms V1600A.
Identifiers: ClinVar variation 1348271 (VCV001348271.8), dbSNP rs1591684386, ClinGen allele CA382536396.